The following is an entry in ClinVar:

NM_000287.4(PEX6):c.1833C>G (p.His611Gln)

Gene: PEX6 (peroxisomal biogenesis factor 6; minus strand). Cytogenetic location: 6p21.1.
Variant type: single nucleotide variant.
Coding change: c.1833C>G on transcript NM_000287.4 (MANE Select); coding-DNA position 1833, C replaced by G.
Protein change: p.His611Gln; replaces histidine 611 with glutamine.
Molecular consequence: missense variant. On other transcripts: non-coding transcript variant (1).
Genome position (GRCh38, 1-based): chr6:42,967,419, G>C on the plus strand (C>G on the coding strand, the complement: PEX6 is on the minus strand). VCF-style: chr6-42967419-G-C. GRCh37 (hg19) VCF-style: chr6-42935157-G-C.
Other names: c.1569C>G, p.His523Gln (NM_001316313.2); short protein forms H523Q, H611Q.
Identifiers: ClinVar variation 1056558 (VCV001056558.7), dbSNP rs1335182312, ClinGen allele CA364153478.

ClinVar aggregate classification (germline): Uncertain significance. Review status: criteria provided, single submitter (1 of 4 stars). 2 submissions from 2 submitters: Uncertain significance (1). 1 of the submissions does not count toward it. Last evaluated 2022-02-03.

Conditions:
Zellweger spectrum disorders (ZS). Also called: Zellweger syndrome; Zellweger Spectrum Disorder; Zellweger Spectrum; Zellweger Spectrum Disorder (ZSD). Identifiers: Orphanet 912, MedGen C0043459, MONDO:0019609.
Peroxisome biogenesis disorder. Identifiers: Orphanet 79189, MedGen C1832200, MONDO:0019234. Disease mechanism: loss of function.

Submissions (2):

Labcorp Genetics (formerly Invitae), Labcorp
Classification: Uncertain significance for Peroxisome biogenesis disorder. Last evaluated: 2022-02-03. Review status: criteria provided, single submitter. Criteria: Invitae Variant Classification Sherloc (09022015). Collection method: clinical testing. Allele origin: germline.
Comment: This sequence change replaces histidine, which is basic and polar, with glutamine, which is neutral and polar, at codon 611 of the PEX6 protein (p.His611Gln). This variant is not present in population databases (gnomAD no frequency). This variant has not been reported in the literature in individuals affected with PEX6-related conditions. ClinVar contains an entry for this variant (Variation ID: 1056558). Algorithms developed to predict the effect of missense changes on protein structure and function (SIFT, PolyPhen-2, Align-GVGD) all suggest that this variant is likely to be tolerated. Algorithms developed to predict the effect of sequence changes on RNA splicing suggest that this variant may create or strengthen a splice site. In summary, the available evidence is currently insufficient to determine the role of this variant in disease. Therefore, it has been classified as a Variant of Uncertain Significance.

Natera, Inc.
Classification: Uncertain significance for Zellweger syndrome. Last evaluated: 2020-07-29. Review status: no assertion criteria provided. Collection method: clinical testing. Allele origin: germline. Not counted in ClinVar's aggregate classification.